The following is an entry in ClinVar:

ClinVar aggregate classification (germline): Uncertain significance (1 of 4 stars; one submission).

Submission:

Labcorp Genetics (formerly Invitae), Labcorp
Classification: Uncertain significance. Last evaluated: 2025-12-23. Review status: criteria provided, single submitter. Criteria: Invitae Variant Classification Sherloc (09022015). Collection method: clinical testing. Allele origin: germline.
Comment: This sequence change replaces aspartic acid, which is acidic and polar, with alanine, which is neutral and non-polar, at codon 228 of the SETD5 protein (p.Asp228Ala). This variant is not present in population databases (gnomAD no frequency). This variant has not been reported in the literature in individuals affected with SETD5-related conditions. Invitae Evidence Modeling of protein sequence and biophysical properties (such as structural, functional, and spatial information, amino acid conservation, physicochemical variation, residue mobility, and thermodynamic stability) has been performed for this missense variant. However, the output from this modeling did not meet the statistical confidence thresholds required to predict the impact of this variant on SETD5 protein function. In summary, the available evidence is currently insufficient to determine the role of this variant in disease. Therefore, it has been classified as a Variant of Uncertain Significance.

NM_001080517.3(SETD5):c.683A>C (p.Asp228Ala)

Gene: SETD5 (SET domain containing 5; plus strand). Cytogenetic location: 3p25.3.
Variant type: single nucleotide variant.
Coding change: c.683A>C on transcript NM_001080517.3 (MANE Select); coding-DNA position 683, A replaced by C.
Protein change: p.Asp228Ala; replaces aspartic acid 228 with alanine.
Molecular consequence: missense variant.
Genome position (GRCh38, 1-based): chr3:9,440,571, A>C. VCF-style: chr3-9440571-A-C. GRCh37 (hg19) VCF-style: chr3-9482255-A-C.
Other names: c.389A>C, p.Asp130Ala (NM_001292043.2, NM_001349451.2); c.779A>C, p.Asp260Ala (NM_001437633.1); c.740A>C, p.Asp247Ala (NM_001437635.1); c.683A>C, p.Asp228Ala (NM_001437643.1); c.722A>C, p.Asp241Ala (NM_001437701.1); short protein forms D241A, D247A, D130A, D228A, D260A.
Identifiers: ClinVar variation 4740936 (VCV004740936.1).
Genomic context (GRCh38, chr3:9,440,571, plus strand): 5'-ATCGGATAAGACTATGGACTGACCAGTATGAAGAAGCTTTCACTAATCAGTACAGTGCAG[A>C]TGTACAGAACGCGCTTGAACAACACCTACATTCTAGCAAGGAATTTGTGGGCAAACCTAC-3'
Protein context (NP_001073986.1, residues 218-238): EEAFTNQYSA[Asp228Ala]VQNALEQHLH